The following is an entry in ClinVar:

NM_005898.5(CAPRIN1):c.567C>G (p.Phe189Leu)

Gene: CAPRIN1 (cell cycle associated protein 1; plus strand). Cytogenetic location: 11p13.
Variant type: single nucleotide variant.
Coding change: c.567C>G on transcript NM_005898.5 (MANE Select); coding-DNA position 567, C replaced by G.
Protein change: p.Phe189Leu; replaces phenylalanine 189 with leucine.
Molecular consequence: missense variant.
Genome position (GRCh38, 1-based): chr11:34,076,436, C>G. VCF-style: chr11-34076436-C-G. GRCh37 (hg19) VCF-style: chr11-34097983-C-G.
Other names: c.567C>G, p.Phe189Leu (NM_203364.3); short protein forms F189L.
Identifiers: ClinVar variation 2580544 (VCV002580544.1), dbSNP rs2496042330, ClinGen allele CA380027625.

ClinVar aggregate classification (germline): Uncertain significance (1 of 4 stars; one submission).

Allele frequency attached by ClinVar (database versions not stated): gnomAD exomes below 0.00001.
gnomAD v4.1: 2 of 1,614,078 alleles (0.00012%); highest among the groups gnomAD compares: African/African-American, 0.0013%; no homozygotes.

Submission:

GeneDx
Classification: Uncertain significance. Last evaluated: 2023-03-24. Review status: criteria provided, single submitter. Criteria: GeneDx Variant Classification Process June 2021. Collection method: clinical testing. Allele origin: germline. Affected: yes.
Comment: Not observed at significant frequency in large population cohorts (gnomAD); In silico analysis supports that this missense variant has a deleterious effect on protein structure/function; Has not been previously published as pathogenic or benign to our knowledge